The following is an entry in ClinVar:

ClinVar aggregate classification (germline): Pathogenic (1 of 4 stars; one submission).

Conditions:
Hereditary cancer-predisposing syndrome. Also called: Neoplastic Syndromes, Hereditary; Tumor predisposition; Hereditary Cancer Syndrome; Hereditary neoplastic syndrome. Identifiers: Orphanet 140162, MedGen C0027672, MeSH D009386, MONDO:0015356.

Submission:

Ambry Genetics
Classification: Pathogenic for Hereditary cancer-predisposing syndrome. Last evaluated: 2022-10-03. Review status: criteria provided, single submitter. Criteria: Ambry Variant Classification Scheme 2023. Collection method: clinical testing. Allele origin: germline.
Comment: The c.210delG pathogenic mutation, located in coding exon 3 of the MUTYH gene, results from a deletion of one nucleotide at nucleotide position 210, causing a translational frameshift with a predicted alternate stop codon (p.R70Sfs*21). This alteration is expected to result in loss of function by premature protein truncation or nonsense-mediated mRNA decay. As such, this alteration is interpreted as a disease-causing mutation.

NM_001048174.2(MUTYH):c.126del (p.Arg42fs)

Gene: MUTYH (mutY DNA glycosylase; minus strand). Cytogenetic location: 1p34.1.
Variant type: Deletion.
Coding change: c.126del on transcript NM_001048174.2 (MANE Select); coding-DNA position 126, one base deleted (G; older notation c.126delG).
Protein change: p.Arg42fs; shifts the reading frame from arginine 42.
Molecular consequence: frameshift variant. On other transcripts: 5 prime UTR variant (1), non-coding transcript variant (2), intron variant (3).
Genome position (GRCh38, 1-based): chr1:45,333,551, C deleted on the plus strand (G on the coding strand, the reverse complement: MUTYH is on the minus strand); the first of 2 consecutive C bases (chr1:45,333,551-45,333,552); deleting either gives the same sequence. VCF-style (leftmost placement, unchanged base first): chr1-45333550-GC-G. GRCh37 (hg19) VCF-style: chr1-45799222-GC-G.
Other names: c.126del, p.Arg42fs (NM_001048171.2, NM_001048173.2, NM_001293195.2); c.129del, p.Arg43fs (NM_001048172.2); c.210del, p.Arg70fs (NM_001128425.2); c.171del, p.Arg57fs (NM_001293190.2); c.159del, p.Arg53fs (NM_001293191.2); c.-146del (NM_001350650.2); c.200delG, p.Arg67Serfs (NM_001407069.1); c.125delG, p.Arg42Serfs (NM_001407070.1, NM_001407072.1, NM_001407080.1 and 3 more transcripts); and 9 more; short protein forms R42fs, R67fs, R53fs, R57fs, R43fs, R70fs.
Identifiers: ClinVar variation 1786068 (VCV001786068.2), dbSNP rs2524283822, ClinGen allele CA2580063279.